The following is an entry in ClinVar:

NM_133433.4(NIPBL):c.2521C>T (p.Arg841Ter)

Gene: NIPBL (NIPBL cohesin loading factor; plus strand). Cytogenetic location: 5p13.2.
Variant type: single nucleotide variant.
Coding change: c.2521C>T on transcript NM_133433.4 (MANE Select); coding-DNA position 2521, C replaced by T.
Protein change: p.Arg841Ter; replaces arginine 841 with a stop codon.
Molecular consequence: nonsense.
Genome position (GRCh38, 1-based): chr5:36,985,701, C>T. VCF-style: chr5-36985701-C-T. GRCh37 (hg19) VCF-style: chr5-36985803-C-T.
Other names: c.2521C>T, p.Arg841Ter (NM_015384.5); short protein forms R841*.
Identifiers: ClinVar variation 211628 (VCV000211628.7), dbSNP rs797045752, ClinGen allele CA277047.
Genomic context (GRCh38, chr5:36,985,701, plus strand): 5'-AAACAAAAATCAGATGACAGGGGTGAATCAGAGCGACATCGAGGGGATCAGTCTAGGGTT[C>T]GAAGACCAGAAACATTGAGATCCTCTAGTAGAAATGAACATGGCATTAAATCTGATAGTT-3'

ClinVar aggregate classification (germline): Pathogenic. Review status: criteria provided, multiple submitters, no conflicts (2 of 4 stars). 2 submissions from 2 submitters: Pathogenic (2). Last evaluated 2026-01-07.

Conditions:
Cornelia de Lange syndrome 1 (CDLS1). Also called: TYPUS DEGENERATIVUS AMSTELODAMENSIS; Brachmann de Lange syndrome; NIPBL-Related Cornelia de Lange Syndrome. Identifiers: Orphanet 199, MedGen C4551851, MONDO:0007387, OMIM 122470.

Submissions (2):

Labcorp Genetics (formerly Invitae), Labcorp
Classification: Pathogenic for Cornelia de Lange syndrome 1. Last evaluated: 2026-01-07. Review status: criteria provided, single submitter. Criteria: Invitae Variant Classification Sherloc (09022015). Collection method: clinical testing. Allele origin: germline.
Comment: This sequence change creates a premature translational stop signal (p.Arg841*) in the NIPBL gene. It is expected to result in an absent or disrupted protein product. Loss-of-function variants in NIPBL are known to be pathogenic (PMID: 15318302, 19763162, 23505322, 29995837). This variant is not present in population databases (gnomAD no frequency). This premature translational stop signal has been observed in individual(s) with NIPBL-related conditions (PMID: 31515788). ClinVar contains an entry for this variant (Variation ID: 211628). For these reasons, this variant has been classified as Pathogenic.

Genetic Services Laboratory, University of Chicago
Classification: Pathogenic for Cornelia de Lange syndrome 1. Last evaluated: 2014-12-03. Review status: criteria provided, single submitter. Criteria: ACMG Guidelines, 2015. Collection method: clinical testing. Allele origin: germline. Affected: yes.

Literature cited by the submitters: PubMed 15318302 (cited by Labcorp Genetics (formerly Invitae), Labcorp); PubMed 19763162 (cited by Labcorp Genetics (formerly Invitae), Labcorp); PubMed 23505322 (cited by Labcorp Genetics (formerly Invitae), Labcorp); PubMed 29995837 (cited by Labcorp Genetics (formerly Invitae), Labcorp); PubMed 31515788 (cited by Labcorp Genetics (formerly Invitae), Labcorp).